The following is an entry in ClinVar:

ClinVar aggregate classification (germline): Uncertain significance (1 of 4 stars; one submission).

Submission:

GeneDx
Classification: Uncertain significance. Last evaluated: 2025-06-26. Review status: criteria provided, single submitter. Criteria: GeneDx Variant Classification Process June 2021. Collection method: clinical testing. Allele origin: germline. Affected: yes.
Comment: Not observed at significant frequency in large population cohorts (gnomAD); In silico analysis suggests that this variant does not alter protein structure/function; Has not been previously published as pathogenic or benign to our knowledge

NM_017934.7(PHIP):c.375_376delinsTT (p.Ala126Ser)

Gene: PHIP (PHIP subunit of CUL4-Ring ligase complex; minus strand). Cytogenetic location: 6q14.1.
Variant type: Indel.
Coding change: c.375_376delinsTT on transcript NM_017934.7 (MANE Select); coding-DNA positions 375 to 376, GG replaced by TT.
Protein change: p.Ala126Ser; replaces alanine 126 with serine.
Molecular consequence: missense variant.
Genome position (GRCh38, 1-based): chr6:79,060,541-79,060,542, CC replaced by AA on the plus strand (GG replaced by TT on the coding strand, the reverse complement: PHIP is on the minus strand). VCF-style: chr6-79060541-CC-AA. GRCh37 (hg19) VCF-style: chr6-79770258-CC-AA.
Other names: c.375_376delGGinsTT (NM_017934.5); c.375_376delinsTT (NM_017934.5); short protein forms A126S.
Identifiers: ClinVar variation 546473 (VCV000546473.3), dbSNP rs1554212697, ClinGen allele CA658822758.